The following is an entry in ClinVar:

NM_004612.4(TGFBR1):c.896T>C (p.Val299Ala)

Gene: TGFBR1 (transforming growth factor beta receptor 1; plus strand). Cytogenetic location: 9q22.33.
Variant type: single nucleotide variant.
Coding change: c.896T>C on transcript NM_004612.4 (MANE Select); coding-DNA position 896, T replaced by C.
Protein change: p.Val299Ala; replaces valine 299 with alanine.
Molecular consequence: missense variant.
Genome position (GRCh38, 1-based): chr9:99,142,626, T>C. VCF-style: chr9-99142626-T-C. GRCh37 (hg19) VCF-style: chr9-101904908-T-C.
Other names: c.665T>C, p.Val222Ala (NM_001130916.3, NM_001407435.1); c.908T>C, p.Val303Ala (NM_001306210.2); c.701T>C, p.Val234Ala (NM_001407418.1, NM_001407419.1, NM_001407420.1 and 1 more transcripts); c.689T>C, p.Val230Ala (NM_001407423.1, NM_001407424.1, NM_001407425.1 and 8 more transcripts); c.650T>C, p.Val217Ala (NM_001407436.1); c.188T>C, p.Val63Ala (NM_001407437.1); c.419T>C, p.Val140Ala (NM_001407438.1); short protein forms V140A, V217A, V222A, V230A, V63A, V234A, V299A, V303A.
Identifiers: ClinVar variation 1765282 (VCV001765282.3), dbSNP rs2490223952, ClinGen allele CA374230682.

ClinVar aggregate classification (germline): Uncertain significance. Review status: criteria provided, multiple submitters, no conflicts (2 of 4 stars). 2 submissions from 2 submitters: Uncertain significance (2). Last evaluated 2023-10-23.

Conditions:
Loeys-Dietz syndrome (LDS). Identifiers: Orphanet 60030, MedGen C2697932, MONDO:0018954.
Familial thoracic aortic aneurysm and aortic dissection (TAAD). Also called: Thoracic aortic aneurysms and dissections. Identifiers: Orphanet 91387, MedGen C4707243, MONDO:0019625.

Submissions (2):

All of Us Research Program, National Institutes of Health
Classification: Uncertain significance for Loeys-Dietz syndrome. Last evaluated: 2023-10-23. Review status: criteria provided, single submitter. Criteria: ACMG Guidelines, 2015. Collection method: clinical testing. Allele origin: germline. Inheritance: Autosomal dominant inheritance. Observed: 1 variant allele, 1 heterozygote.
Comment: This missense variant replaces valine with alanine at codon 299 of the TGFBR1 protein. Computational prediction suggests that this variant may not impact protein structure and function (internally defined REVEL score threshold <= 0.5, PMID: 27666373). To our knowledge, functional studies have not been reported for this variant. This variant has not been reported in individuals affected with TGFBR1-related disorders in the literature. This variant has not been identified in the general population by the Genome Aggregation Database (gnomAD). The available evidence is insufficient to determine the role of this variant in disease conclusively. Therefore, this variant is classified as a Variant of Uncertain Significance.

This study involves interpretation of variants in research participants for the purpose of population health screening. Participant phenotype was not available at the time of variant classification. Additional details can be found in publication PMID: 35346344, PMCID: PMC8962531

Ambry Genetics
Classification: Uncertain significance for Familial thoracic aortic aneurysm and aortic dissection. Last evaluated: 2022-08-16. Review status: criteria provided, single submitter. Criteria: Ambry Variant Classification Scheme 2023. Collection method: clinical testing. Allele origin: germline.
Comment: The p.V299A variant (also known as c.896T>C), located in coding exon 5 of the TGFBR1 gene, results from a T to C substitution at nucleotide position 896. The valine at codon 299 is replaced by alanine, an amino acid with similar properties. This amino acid position is conserved. In addition, this alteration is predicted to be deleterious by in silico analysis. Since supporting evidence is limited at this time, the clinical significance of this alteration remains unclear.